The following is an entry in ClinVar:

ClinVar aggregate classification (germline): Benign/Likely benign. Review status: criteria provided, multiple submitters, no conflicts (2 of 4 stars). 9 submissions from 9 submitters: Benign (4); Likely benign (3). 2 of the submissions do not count toward it. Last evaluated 2026-04-01.

Allele frequency attached by ClinVar (database versions not stated): 1000 Genomes Project 0.00180; 1000 Genomes Project 30x 0.00187; TOPMed 0.00335; ExAC 0.00344; gnomAD exomes 0.00385 and 0.00543; gnomAD 0.00391 and 0.00398; ESP Exome Variant Server 0.00415.
gnomAD v4.1: 8,436 of 1,614,054 alleles (0.52%); highest among the groups gnomAD compares: Non-Finnish European, 0.61%; 33 homozygotes.

Submissions (9):

CeGaT Center for Human Genetics Tuebingen
Classification: Likely benign. Last evaluated: 2026-04-01. Review status: criteria provided, single submitter. Criteria: CeGaT Center For Human Genetics Tuebingen Variant Classification Criteria Version 2. Collection method: clinical testing. Allele origin: germline. Affected: yes. Observed: 3 variant alleles.
Comment: CRYM: BP4, BP7, BS2

Labcorp Genetics (formerly Invitae), Labcorp
Classification: Benign. Last evaluated: 2026-01-28. Review status: criteria provided, single submitter. Criteria: Invitae Variant Classification Sherloc (09022015). Collection method: clinical testing. Allele origin: germline.

Blueprint Genetics
Classification: Likely benign. Last evaluated: 2024-11-19. Review status: criteria provided, single submitter. Criteria: ACMG Guidelines, 2015. Collection method: clinical testing. Allele origin: germline.

Athena Diagnostics
Classification: Benign. Last evaluated: 2018-09-12. Review status: criteria provided, single submitter. Criteria: Athena Diagnostics Criteria. Collection method: clinical testing. Allele origin: germline.

GeneDx
Classification: Benign. Last evaluated: 2018-09-04. Review status: criteria provided, single submitter. Criteria: GeneDx Variant Classification Process June 2021. Collection method: clinical testing. Allele origin: germline. Affected: yes.

Eurofins Ntd Llc (ga)
Classification: Likely benign. Last evaluated: 2016-03-08. Review status: criteria provided, single submitter. Criteria: EGL Classification Definitions 2015. Collection method: clinical testing. Allele origin: germline. Observed: 1 variant allele, 1 heterozygote.

Laboratory for Molecular Medicine, Mass General Brigham Personalized Medicine
Classification: Benign. Last evaluated: 2012-04-30. Review status: criteria provided, single submitter. Criteria: LMM Criteria. Collection method: clinical testing. Allele origin: germline. Observed: 4 variant alleles.
Comment: Phe269Phe in Exon 09 of CRYM: This variant is not expected to have clinical sign ificance because it does not alter an amino acid residue, is not located within the splice consensus sequence, and has been identified in 0.6% (42/7020) of Euro pean American chromosomes from a broad population by the NHLBI Exome Sequencing Project (dbSNP rs144588424).

Clinical Genetics DNA and cytogenetics Diagnostics Lab, Erasmus MC, Erasmus Medical Center
Classification: Likely benign. Review status: no assertion criteria provided. Collection method: clinical testing. Allele origin: germline. Affected: yes. Study: VKGL Data-share Consensus. Not counted in ClinVar's aggregate classification.

Clinical Genetics, Academic Medical Center
Classification: Benign. Review status: no assertion criteria provided. Collection method: clinical testing. Allele origin: germline. Affected: yes. Study: VKGL Data-share Consensus. Not counted in ClinVar's aggregate classification.

Literature cited by the submitters: PubMed 21220648 (cited by Athena Diagnostics).

NM_001376256.1(CRYM):c.807T>C (p.Phe269=)

Gene: CRYM (crystallin mu; minus strand). Cytogenetic location: 16p12.2.
Variant type: single nucleotide variant.
Coding change: c.807T>C on transcript NM_001376256.1 (MANE Select); coding-DNA position 807, T replaced by C.
Protein change: p.Phe269=; no amino-acid change (phenylalanine 269 retained).
Molecular consequence: synonymous variant.
Genome position (GRCh38, 1-based): chr16:21,261,327, A>G on the plus strand (T>C on the coding strand, the complement: CRYM is on the minus strand). VCF-style: chr16-21261327-A-G. GRCh37 (hg19) VCF-style: chr16-21272648-A-G.
Other names: c.807T>C, p.Phe269= (NM_001888.5).
Identifiers: ClinVar variation 178330 (VCV000178330.51), dbSNP rs144588424, ClinGen allele CA182122.